The following is an entry in ClinVar:

ClinVar aggregate classification (germline): Uncertain significance. Review status: criteria provided, multiple submitters, no conflicts (2 of 4 stars). 2 submissions from 2 submitters: Uncertain significance (2). Last evaluated 2024-12-03.

Conditions:
Inborn genetic diseases. Identifiers: MedGen C0950123, MeSH D030342.

Allele frequency attached by ClinVar (database versions not stated): TOPMed below 0.00001; ExAC 0.00001; gnomAD 0.00001.
gnomAD v4.1: 9 of 1,613,744 alleles (0.00056%); highest among the groups gnomAD compares: Admixed American, 0.0033%; no homozygotes.

Submissions (2):

Ambry Genetics
Classification: Uncertain significance for Inborn genetic diseases. Last evaluated: 2024-12-03. Review status: criteria provided, single submitter. Criteria: Ambry Variant Classification Scheme 2023. Collection method: clinical testing. Allele origin: germline.
Comment: The p.Q856R variant (also known as c.2567A>G), located in coding exon 23 of the ANKRD26 gene, results from an A to G substitution at nucleotide position 2567. The glutamine at codon 856 is replaced by arginine, an amino acid with highly similar properties. This amino acid position is conserved. In addition, this alteration is predicted to be tolerated by in silico analysis. Based on the available evidence, the clinical significance of this variant remains unclear.

Labcorp Genetics (formerly Invitae), Labcorp
Classification: Uncertain significance. Last evaluated: 2022-05-25. Review status: criteria provided, single submitter. Criteria: Invitae Variant Classification Sherloc (09022015). Collection method: clinical testing. Allele origin: germline.
Comment: This variant has not been reported in the literature in individuals affected with ANKRD26-related conditions. This variant is present in population databases (rs763720089, gnomAD 0.003%). This sequence change replaces glutamine, which is neutral and polar, with arginine, which is basic and polar, at codon 856 of the ANKRD26 protein (p.Gln856Arg). Algorithms developed to predict the effect of missense changes on protein structure and function are either unavailable or do not agree on the potential impact of this missense change (SIFT: "Deleterious"; PolyPhen-2: "Benign"; Align-GVGD: "Class C0"). In summary, the available evidence is currently insufficient to determine the role of this variant in disease. Therefore, it has been classified as a Variant of Uncertain Significance.

NM_014915.3(ANKRD26):c.2567A>G (p.Gln856Arg)

Gene: ANKRD26 (ankyrin repeat domain 26; minus strand). Cytogenetic location: 10p12.1.
Variant type: single nucleotide variant.
Coding change: c.2567A>G on transcript NM_014915.3 (MANE Select); coding-DNA position 2567, A replaced by G.
Protein change: p.Gln856Arg; replaces glutamine 856 with arginine.
Molecular consequence: missense variant.
Genome position (GRCh38, 1-based): chr10:27,037,316, T>C on the plus strand (A>G on the coding strand, the complement: ANKRD26 is on the minus strand). VCF-style: chr10-27037316-T-C. GRCh37 (hg19) VCF-style: chr10-27326245-T-C.
Other names: c.2564A>G, p.Gln855Arg (NM_001256053.2); short protein forms Q855R, Q856R.
Identifiers: ClinVar variation 1986792 (VCV001986792.5), dbSNP rs763720089, ClinGen allele CA5448194.